The following is an entry in ClinVar:

NM_004369.4(COL6A3):c.7030-77C>T

Gene: COL6A3 (collagen type VI alpha 3 chain; minus strand). Cytogenetic location: 2q37.3.
Variant type: single nucleotide variant.
Coding change: c.7030-77C>T on transcript NM_004369.4 (MANE Select); 77 bases into the intron before coding-DNA position 7030, C replaced by T.
Molecular consequence: intron variant.
Genome position (GRCh38, 1-based): chr2:237,346,642, G>A on the plus strand (C>T on the coding strand, the complement: COL6A3 is on the minus strand). VCF-style: chr2-237346642-G-A. GRCh37 (hg19) VCF-style: chr2-238255285-G-A.
Other names: c.5209-77C>T (NM_057166.5); c.6412-77C>T (NM_057167.4).
Identifiers: ClinVar variation 677541 (VCV000677541.2), dbSNP rs6761147, ClinGen allele CA11142071.

ClinVar aggregate classification (germline): Benign. Review status: criteria provided, multiple submitters, no conflicts (2 of 4 stars). 2 submissions from 2 submitters: Benign (2). Last evaluated 2018-06-16.

Allele frequency attached by ClinVar (database versions not stated): gnomAD exomes 0.02217; gnomAD 0.06421 and 0.06718; 1000 Genomes Project 0.07169; TOPMed 0.07187; 1000 Genomes Project 30x 0.07527.
gnomAD v4.1: 36,747 of 1,347,684 alleles (2.7%); highest among the groups gnomAD compares: African/African-American, 18%; 1,466 homozygotes.

Submissions (2):

GeneDx
Classification: Benign. Last evaluated: 2018-06-16. Review status: criteria provided, single submitter. Criteria: GeneDx Variant Classification (06012015). Collection method: clinical testing. Allele origin: germline. Affected: yes.
Comment: This variant is considered likely benign or benign based on one or more of the following criteria: it is a conservative change, it occurs at a poorly conserved position in the protein, it is predicted to be benign by multiple in silico algorithms, and/or has population frequency not consistent with disease.

Breakthrough Genomics
Classification: Benign. Review status: criteria provided, single submitter. Criteria: ACMG Guidelines, 2015. Collection method: not provided. Allele origin: germline. Inheritance: Autosomal recessive inheritance. Affected: yes.